The following is an entry in ClinVar:

NM_004260.4(RECQL4):c.278C>T (p.Thr93Met)

Gene: RECQL4 (RecQ like helicase 4; minus strand). Cytogenetic location: 8q24.3.
Variant type: single nucleotide variant.
Coding change: c.278C>T on transcript NM_004260.4 (MANE Select); coding-DNA position 278, C replaced by T.
Protein change: p.Thr93Met; replaces threonine 93 with methionine.
Molecular consequence: missense variant.
Genome position (GRCh38, 1-based): chr8:144,517,126, G>A on the plus strand (C>T on the coding strand, the complement: RECQL4 is on the minus strand). VCF-style: chr8-144517126-G-A. GRCh37 (hg19) VCF-style: chr8-145742510-G-A.
Other names: short protein forms T93M.
Identifiers: ClinVar variation 572438 (VCV000572438.12), dbSNP rs754149435, ClinGen allele CA4949400.

ClinVar aggregate classification (germline): Uncertain significance. Review status: criteria provided, multiple submitters, no conflicts (2 of 4 stars). 2 submissions from 2 submitters: Uncertain significance (2). Last evaluated 2025-02-26.

Conditions:
Inborn genetic diseases. Identifiers: MedGen C0950123, MeSH D030342.
Baller-Gerold syndrome (BGS). Also called: CRANIOSYNOSTOSIS WITH RADIAL DEFECTS. Identifiers: Orphanet 1225, MedGen C0265308, MONDO:0009039, OMIM 218600.

Allele frequency attached by ClinVar (database versions not stated): gnomAD exomes 0.00001; TOPMed 0.00001; ExAC 0.00002; gnomAD 0.00003.
gnomAD v4.1: 14 of 1,612,054 alleles (0.00087%); highest among the groups gnomAD compares: Admixed American, 0.005%; no homozygotes.

Submissions (2):

Labcorp Genetics (formerly Invitae), Labcorp
Classification: Uncertain significance for Baller-Gerold syndrome. Last evaluated: 2025-02-26. Review status: criteria provided, single submitter. Criteria: Invitae Variant Classification Sherloc (09022015). Collection method: clinical testing. Allele origin: germline.
Comment: This sequence change replaces threonine, which is neutral and polar, with methionine, which is neutral and non-polar, at codon 93 of the RECQL4 protein (p.Thr93Met). This variant is present in population databases (rs754149435, gnomAD 0.009%). This variant has not been reported in the literature in individuals affected with RECQL4-related conditions. ClinVar contains an entry for this variant (Variation ID: 572438). Invitae Evidence Modeling of protein sequence and biophysical properties (such as structural, functional, and spatial information, amino acid conservation, physicochemical variation, residue mobility, and thermodynamic stability) indicates that this missense variant is not expected to disrupt RECQL4 protein function with a negative predictive value of 80%. In summary, the available evidence is currently insufficient to determine the role of this variant in disease. Therefore, it has been classified as a Variant of Uncertain Significance.

Ambry Genetics
Classification: Uncertain significance for Inborn genetic diseases. Last evaluated: 2024-12-25. Review status: criteria provided, single submitter. Criteria: Ambry Variant Classification Scheme 2023. Collection method: clinical testing. Allele origin: germline.
Comment: The p.T93M variant (also known as c.278C>T), located in coding exon 4 of the RECQL4 gene, results from a C to T substitution at nucleotide position 278. The threonine at codon 93 is replaced by methionine, an amino acid with similar properties. This amino acid position is conserved. In addition, this alteration is predicted to be tolerated by in silico analysis. Based on the available evidence, the clinical significance of this variant remains unclear.